The following is an entry in ClinVar:

ClinVar aggregate classification (germline): Uncertain significance (1 of 4 stars; one submission).

Conditions:
Cutis laxa, autosomal dominant 3 (ADCL3). Identifiers: Orphanet 90348, MedGen C4225268, MONDO:0014706, OMIM 616603.
Autosomal dominant spastic paraplegia type 9. Identifiers: MedGen C1832669, MONDO:0015091.
de Barsy syndrome. Also called: Cutis laxa-corneal clouding-oligophrenia syndrome. Identifiers: Orphanet 2962, MedGen C0268354, MONDO:0017569.

gnomAD v4.1: 2 of 1,614,210 alleles (0.00012%); highest among the groups gnomAD compares: East Asian, 0.0022%; no homozygotes.

Submission:

Labcorp Genetics (formerly Invitae), Labcorp
Classification: Uncertain significance for Autosomal dominant spastic paraplegia type 9; de Barsy syndrome; Cutis laxa, autosomal dominant 3. Last evaluated: 2025-02-04. Review status: criteria provided, single submitter. Criteria: Invitae Variant Classification Sherloc (09022015). Collection method: clinical testing. Allele origin: germline.
Comment: This sequence change replaces histidine, which is basic and polar, with arginine, which is basic and polar, at codon 39 of the ALDH18A1 protein (p.His39Arg). This variant is not present in population databases (gnomAD no frequency). This variant has not been reported in the literature in individuals affected with ALDH18A1-related conditions. An algorithm developed to predict the effect of missense changes on protein structure and function (PolyPhen-2) suggests that this variant is likely to be tolerated. In summary, the available evidence is currently insufficient to determine the role of this variant in disease. Therefore, it has been classified as a Variant of Uncertain Significance.

NM_002860.4(ALDH18A1):c.116A>G (p.His39Arg)

Gene: ALDH18A1 (aldehyde dehydrogenase 18 family member A1; minus strand). Cytogenetic location: 10q24.1.
Variant type: single nucleotide variant.
Coding change: c.116A>G on transcript NM_002860.4 (MANE Select); coding-DNA position 116, A replaced by G.
Protein change: p.His39Arg; replaces histidine 39 with arginine.
Molecular consequence: missense variant. On other transcripts: intron variant (4).
Genome position (GRCh38, 1-based): chr10:95,643,179, T>C on the plus strand (A>G on the coding strand, the complement: ALDH18A1 is on the minus strand). VCF-style: chr10-95643179-T-C. GRCh37 (hg19) VCF-style: chr10-97402936-T-C.
Other names: c.116A>G, p.His39Arg (NM_001017423.2, NM_001323413.2, NM_001323414.2 and 2 more transcripts); c.-78-9530A>G (NM_001323419.2); c.-30-5743A>G (NM_001323412.2, NM_001323418.2, NM_001323416.2); short protein forms H39R.
Identifiers: ClinVar variation 4790204 (VCV004790204.1).